The following is an entry in ClinVar:

ClinVar aggregate classification (germline): Uncertain significance. Review status: criteria provided, multiple submitters, no conflicts (2 of 4 stars). 2 submissions from 2 submitters: Uncertain significance (2). Last evaluated 2022-06-02.

Allele frequency attached by ClinVar (database versions not stated): ExAC 0.00001; gnomAD exomes below 0.00001; TOPMed below 0.00001.
gnomAD v4.1: 4 of 1,367,412 alleles (0.00029%); highest among the groups gnomAD compares: Middle Eastern, 0.021%; no homozygotes.

Submissions (2):

Blueprint Genetics
Classification: Uncertain significance. Last evaluated: 2022-06-02. Review status: criteria provided, single submitter. Criteria: ACMG Guidelines, 2015. Collection method: clinical testing. Allele origin: germline.

GeneDx
Classification: Uncertain significance. Last evaluated: 2019-05-07. Review status: criteria provided, single submitter. Criteria: GeneDx Variant Classification Process June 2021. Collection method: clinical testing. Allele origin: germline. Affected: yes.
Comment: Has not been previously published as pathogenic or benign to our knowledge; Not observed at a significant frequency in large population cohorts (Lek et al., 2016); In silico analysis, which includes protein predictors and evolutionary conservation, supports that this variant does not alter protein structure/function

NM_080680.3(COL11A2):c.1090C>G (p.Leu364Val)

Gene: COL11A2 (collagen type XI alpha 2 chain; minus strand). Cytogenetic location: 6p21.32.
Variant type: single nucleotide variant.
Coding change: c.1090C>G on transcript NM_080680.3 (MANE Select); coding-DNA position 1090, C replaced by G.
Protein change: p.Leu364Val; replaces leucine 364 with valine.
Molecular consequence: missense variant. On other transcripts: intron variant (2).
Genome position (GRCh38, 1-based): chr6:33,184,174, G>C on the plus strand (C>G on the coding strand, the complement: COL11A2 is on the minus strand). VCF-style: chr6-33184174-G-C. GRCh37 (hg19) VCF-style: chr6-33151951-G-C.
Other names: c.798+2453C>G (NM_080679.3); c.861+818C>G (NM_080681.3); short protein forms L364V.
Identifiers: ClinVar variation 1305688 (VCV001305688.3), dbSNP rs770935156, ClinGen allele CA3751483.